The following is an entry in ClinVar:

NM_016373.4:c.(516+1_517-1)_(1056+1_1057-1)del

Gene: WWOX (WW domain containing oxidoreductase; plus strand).
Variant type: Deletion.
Other names: c.(516+1_517-1)_(1056+1_1057-1)del (NM_016373.4).
Identifiers: ClinVar variation 4533315 (VCV004533315.2).

ClinVar aggregate classification (germline): Likely pathogenic (1 of 4 stars; one submission).

Conditions:
Developmental and epileptic encephalopathy, 28 (DEE28). Also called: Epileptic encephalopathy, early infantile, 28. Identifiers: Orphanet 442835, MedGen C4015519, MONDO:0014533, OMIM 616211.

Submission:

Institute of Human Genetics, University of Leipzig Medical Center
Classification: Likely pathogenic for Developmental and epileptic encephalopathy, 28. Last evaluated: 2026-03-11. Review status: criteria provided, single submitter. Criteria: ACMG Guidelines, 2015. Collection method: clinical testing. Allele origin: unknown. Inheritance: Autosomal recessive inheritance. Affected: yes.
Comment: Criteria applied: PVS1_STR,PM2,PM3